The following is an entry in ClinVar:

ClinVar aggregate classification (germline): Uncertain significance. Review status: criteria provided, multiple submitters, no conflicts (2 of 4 stars). 3 submissions from 3 submitters: Uncertain significance (3). Last evaluated 2025-07-12.

Conditions:
Inborn genetic diseases. Identifiers: MedGen C0950123, MeSH D030342.
Combined malonic and methylmalonic acidemia. Identifiers: Orphanet 289504, MedGen C3280314, MONDO:0013661, OMIM 614265.

Allele frequency attached by ClinVar (database versions not stated): gnomAD exomes 0.00001 and 0.00005; TOPMed 0.00003; ExAC 0.00004.
gnomAD v4.1: 18 of 1,613,368 alleles (0.0011%); highest among the groups gnomAD compares: Admixed American, 0.01%; no homozygotes.

Submissions (3):

Ambry Genetics
Classification: Uncertain significance for Inborn genetic diseases. Last evaluated: 2025-07-12. Review status: criteria provided, single submitter. Criteria: Ambry Variant Classification Scheme 2023. Collection method: clinical testing. Allele origin: germline.

Labcorp Genetics (formerly Invitae), Labcorp
Classification: Uncertain significance for Combined malonic and methylmalonic acidemia. Last evaluated: 2022-06-27. Review status: criteria provided, single submitter. Criteria: Invitae Variant Classification Sherloc (09022015). Collection method: clinical testing. Allele origin: germline.
Comment: This sequence change replaces proline, which is neutral and non-polar, with leucine, which is neutral and non-polar, at codon 557 of the ACSF3 protein (p.Pro557Leu). This variant is present in population databases (rs780364085, gnomAD 0.02%). This variant has not been reported in the literature in individuals affected with ACSF3-related conditions. Algorithms developed to predict the effect of missense changes on protein structure and function are either unavailable or do not agree on the potential impact of this missense change (SIFT: "Deleterious"; PolyPhen-2: "Probably Damaging"; Align-GVGD: "Class C0"). In summary, the available evidence is currently insufficient to determine the role of this variant in disease. Therefore, it has been classified as a Variant of Uncertain Significance.

Women's Health and Genetics/Laboratory Corporation of America, LabCorp
Classification: Uncertain significance. Last evaluated: 2022-02-19. Review status: criteria provided, single submitter. Criteria: LabCorp Variant Classification Summary - May 2015. Collection method: clinical testing. Allele origin: germline.
Comment: Variant summary: ACSF3 c.1670C>T (p.Pro557Leu) results in a non-conservative amino acid change located in the AMP-binding enzyme, C-terminal domain (IPR025110) of the encoded protein sequence. Five of five in-silico tools predict a damaging effect of the variant on protein function. The variant allele was found at a frequency of 4.8e-05 in 248310 control chromosomes. This frequency is not significantly higher than expected for a pathogenic variant in ACSF3 causing Combined Malonic And Methylmalonic Aciduria (4.8e-05 vs 0.0058), allowing no conclusion about variant significance. To our knowledge, no occurrence of c.1670C>T in individuals affected with Combined Malonic And Methylmalonic Aciduria and no experimental evidence demonstrating its impact on protein function have been reported. No clinical diagnostic laboratories have submitted clinical-significance assessments for this variant to ClinVar after 2014. Based on the evidence outlined above, the variant was classified as uncertain significance.

NM_001243279.3(ACSF3):c.1670C>T (p.Pro557Leu)

Gene: ACSF3 (acyl-CoA synthetase family member 3; plus strand). Cytogenetic location: 16q24.3.
Variant type: single nucleotide variant.
Coding change: c.1670C>T on transcript NM_001243279.3 (MANE Select); coding-DNA position 1670, C replaced by T.
Protein change: p.Pro557Leu; replaces proline 557 with leucine.
Molecular consequence: missense variant. On other transcripts: non-coding transcript variant (4).
Genome position (GRCh38, 1-based): chr16:89,154,146, C>T. VCF-style: chr16-89154146-C-T. GRCh37 (hg19) VCF-style: chr16-89220554-C-T.
Other names: c.1670C>T, p.Pro557Leu (NM_001127214.4, NM_174917.5); c.875C>T, p.Pro292Leu (NM_001284316.2); c.1670C>T (NM_174917.3); short protein forms P292L, P557L.
Identifiers: ClinVar variation 1343756 (VCV001343756.4), dbSNP rs780364085, ClinGen allele CA8238368.